The following is an entry in ClinVar:

NM_001009944.3(PKD1):c.4081C>G (p.Leu1361Val)

Gene: PKD1 (polycystin 1, transient receptor potential channel interacting; minus strand). Cytogenetic location: 16p13.3.
Variant type: single nucleotide variant.
Coding change: c.4081C>G on transcript NM_001009944.3 (MANE Select); coding-DNA position 4081, C replaced by G.
Protein change: p.Leu1361Val; replaces leucine 1361 with valine.
Molecular consequence: missense variant.
Genome position (GRCh38, 1-based): chr16:2,111,086, G>C on the plus strand (C>G on the coding strand, the complement: PKD1 is on the minus strand). VCF-style: chr16-2111086-G-C. GRCh37 (hg19) VCF-style: chr16-2161087-G-C.
Other names: c.4081C>G, p.Leu1361Val (NM_000296.4); short protein forms L1361V.
Identifiers: ClinVar variation 3896425 (VCV003896425.2).

ClinVar aggregate classification (germline): Uncertain significance (1 of 4 stars; one submission).

gnomAD v4.1: 7 of 1,610,528 alleles (0.00043%); highest among the groups gnomAD compares: South Asian, 0.0011%; no homozygotes.

Submission:

Women's Health and Genetics/Laboratory Corporation of America, LabCorp
Classification: Uncertain significance. Last evaluated: 2025-04-08. Review status: criteria provided, single submitter. Criteria: LabCorp Variant Classification Summary - May 2015. Collection method: clinical testing. Allele origin: germline.
Comment: Variant summary: PKD1 c.4081C>G (p.Leu1361Val) results in a conservative amino acid change in the encoded protein sequence. Five of five in-silico tools predict a benign effect of the variant on protein function. The variant was absent in 248088 control chromosomes (gnomAD). The available data on variant occurrences in the general population are insufficient to allow any conclusion about variant significance. To our knowledge, no occurrence of c.4081C>G in individuals affected with PKD1-Biallelic Autosomal Recessive Polycystic Kidney Disease and no experimental evidence demonstrating its impact on protein function have been reported. No submitters have cited clinical-significance assessments for this variant to ClinVar. Based on the evidence outlined above, the variant was classified as uncertain significance.